The following is an entry in ClinVar:

ClinVar aggregate classification (germline): Benign (0 of 4 stars; one submission).

Conditions:
NCAPG2-related disorder. Also called: NCAPG2-related condition.

Allele frequency attached by ClinVar (database versions not stated): ESP Exome Variant Server 0.00017; gnomAD exomes 0.00323; gnomAD 0.00522; TOPMed 0.00647; ExAC 0.01013; 1000 Genomes Project 30x 0.02405; 1000 Genomes Project 0.02596.
gnomAD v4.1: 5,710 of 1,613,990 alleles (0.35%); highest among the groups gnomAD compares: East Asian, 10%; 280 homozygotes.

Submission:

PreventionGenetics, part of Exact Sciences
Classification: Benign for NCAPG2-related condition. Last evaluated: 2019-06-25. Review status: no assertion criteria provided. Collection method: clinical testing. Allele origin: germline.
Comment: This variant is classified as benign based on ACMG/AMP sequence variant interpretation guidelines (Richards et al. 2015 PMID: 25741868, with internal and published modifications).

NM_017760.7(NCAPG2):c.2601A>C (p.Glu867Asp)

Gene: NCAPG2 (non-SMC condensin II complex subunit G2; minus strand). Cytogenetic location: 7q36.3.
Variant type: single nucleotide variant.
Coding change: c.2601A>C on transcript NM_017760.7 (MANE Select); coding-DNA position 2601, A replaced by C.
Protein change: p.Glu867Asp; replaces glutamic acid 867 with aspartic acid.
Molecular consequence: missense variant. On other transcripts: non-coding transcript variant (1).
Genome position (GRCh38, 1-based): chr7:158,655,163, T>G on the plus strand (A>C on the coding strand, the complement: NCAPG2 is on the minus strand). VCF-style: chr7-158655163-T-G. GRCh37 (hg19) VCF-style: chr7-158447855-T-G.
Other names: c.2601A>C, p.Glu867Asp (NM_001281932.2, NM_001281933.2); short protein forms E867D.
Identifiers: ClinVar variation 3037859 (VCV003037859.2), dbSNP rs3214000, ClinGen allele CA4592501.
Genomic context (GRCh38, chr7:158,655,163, plus strand): 5'-CTTAAGACTTCTAACCTGGATAATTTGCTGATAAATGACCCTATGAAGCTTCAGGTAGTC[T>G]TCTTCTTGATCTTGAATAAAAGATAAAATTTTGCTTTCTAACCAAAAGCCAGTGTCTTCC-3'
Protein context (NP_060230.5, residues 857-877): KILSFIQDQE[Glu867Asp]DYLKLHRVIY